The following is an entry in ClinVar:

NM_000095.3(COMP):c.1049A>C (p.Asn350Thr)

Gene: COMP (cartilage oligomeric matrix protein; minus strand). Cytogenetic location: 19p13.11.
Variant type: single nucleotide variant.
Coding change: c.1049A>C on transcript NM_000095.3 (MANE Select); coding-DNA position 1049, A replaced by C.
Protein change: p.Asn350Thr; replaces asparagine 350 with threonine.
Molecular consequence: missense variant.
Genome position (GRCh38, 1-based): chr19:18,787,577, T>G on the plus strand (A>C on the coding strand, the complement: COMP is on the minus strand). VCF-style: chr19-18787577-T-G. GRCh37 (hg19) VCF-style: chr19-18898386-T-G.
Other names: short protein forms N350T.
Identifiers: ClinVar variation 2106592 (VCV002106592.4), dbSNP rs1601055828, ClinGen allele CA404888367.

ClinVar aggregate classification (germline): Uncertain significance (1 of 4 stars; one submission).

Submission:

Labcorp Genetics (formerly Invitae), Labcorp
Classification: Uncertain significance. Last evaluated: 2023-12-06. Review status: criteria provided, single submitter. Criteria: Invitae Variant Classification Sherloc (09022015). Collection method: clinical testing. Allele origin: germline.
Comment: This sequence change replaces asparagine, which is neutral and polar, with threonine, which is neutral and polar, at codon 350 of the COMP protein (p.Asn350Thr). This variant is not present in population databases (gnomAD no frequency). This variant has not been reported in the literature in individuals affected with COMP-related conditions. ClinVar contains an entry for this variant (Variation ID: 2106592). Advanced modeling of protein sequence and biophysical properties (such as structural, functional, and spatial information, amino acid conservation, physicochemical variation, residue mobility, and thermodynamic stability) has been performed at Invitae for this missense variant, however the output from this modeling did not meet the statistical confidence thresholds required to predict the impact of this variant on COMP protein function. In summary, the available evidence is currently insufficient to determine the role of this variant in disease. Therefore, it has been classified as a Variant of Uncertain Significance.